The following is an entry in ClinVar:

ClinVar aggregate classification (germline): Benign. Review status: criteria provided, multiple submitters, no conflicts (2 of 4 stars). 2 submissions from 2 submitters: Benign (2). Last evaluated 2018-01-12.

Conditions:
Fleck corneal dystrophy (CFD). Also called: CORNEAL DYSTROPHY, FRANCOIS-NEETENS SPECKLED OR FLECKED. Identifiers: Orphanet 98970, MedGen C1562113, MONDO:0007376, OMIM 121850.

Allele frequency attached by ClinVar (database versions not stated): gnomAD exomes 0.00012 and 0.00031; ExAC 0.00037; 1000 Genomes Project 30x 0.00047; 1000 Genomes Project 0.00060; gnomAD 0.00121 and 0.00134; TOPMed 0.00125; ESP Exome Variant Server 0.00161.
gnomAD v4.1: 373 of 1,614,094 alleles (0.023%); highest among the groups gnomAD compares: African/African-American, 0.44%; 1 homozygote.

Submissions (2):

Illumina Laboratory Services, Illumina
Classification: Benign for Fleck corneal dystrophy. Last evaluated: 2018-01-12. Review status: criteria provided, single submitter. Criteria: ICSL Variant Classification Criteria 13 December 2019. Collection method: clinical testing. Allele origin: germline.
Comment: This variant was observed in the ICSL laboratory as part of a predisposition screen in an ostensibly healthy population. It had not been previously curated by ICSL or reported in the Human Gene Mutation Database (HGMD: prior to June 1st, 2018), and was therefore a candidate for classification through an automated scoring system. Utilizing variant allele frequency, disease prevalence and penetrance estimates, and inheritance mode, an automated score was calculated to assess if this variant is too frequent to cause the disease. Based on the score and internal cut-off values, a variant classified as benign is not then subjected to further curation. The score for this variant resulted in a classification of benign for this disease.

Breakthrough Genomics
Classification: Benign. Review status: criteria provided, single submitter. Criteria: ACMG Guidelines, 2015. Collection method: not provided. Allele origin: germline. Inheritance: Autosomal dominant inheritance. Affected: yes.

NM_015040.4(PIKFYVE):c.5343G>A (p.Glu1781=)

Gene: PIKFYVE (phosphoinositide kinase, FYVE-type zinc finger containing; plus strand). Cytogenetic location: 2q34.
Variant type: single nucleotide variant.
Coding change: c.5343G>A on transcript NM_015040.4 (MANE Select); coding-DNA position 5343, G replaced by A.
Protein change: p.Glu1781=; no amino-acid change (glutamic acid 1781 retained).
Molecular consequence: synonymous variant.
Genome position (GRCh38, 1-based): chr2:208,347,992, G>A. VCF-style: chr2-208347992-G-A. GRCh37 (hg19) VCF-style: chr2-209212716-G-A.
Identifiers: ClinVar variation 333931 (VCV000333931.6), dbSNP rs140774753, ClinGen allele CA2080598.